The following is an entry in ClinVar:

ClinVar aggregate classification (germline): Conflicting classifications of pathogenicity. Review status: criteria provided, conflicting classifications (1 of 4 stars). 3 submissions from 3 submitters: Uncertain significance (2); Benign (1). Last evaluated 2025-11-18.

Conditions:
Long QT syndrome (LQTS). Identifiers: MedGen C0023976, MeSH D008133, MONDO:0002442. Disease mechanism: loss of function. Inheritance: Various modes of inheritance.
Cardiovascular phenotype. Identifiers: MedGen CN230736.
Brugada syndrome. Also called: Sudden Unexplained Death Syndrome; Sudden Unexplained Nocturnal Death Syndrome (SUNDS); Sudden unexpected nocturnal death syndrome; Sudden unexplained nocturnal death syndrome. Identifiers: Orphanet 130, MedGen C1142166, MONDO:0015263.

Allele frequency attached by ClinVar (database versions not stated): gnomAD exomes 0.00002; TOPMed 0.00001; ExAC 0.00002.
gnomAD v4.1: 30 of 1,613,072 alleles (0.0019%); highest among the groups gnomAD compares: South Asian, 0.03%; no homozygotes.

Submissions (3):

Labcorp Genetics (formerly Invitae), Labcorp
Classification: Uncertain significance for Long QT syndrome. Last evaluated: 2025-11-18. Review status: criteria provided, single submitter. Criteria: Invitae Variant Classification Sherloc (09022015). Collection method: clinical testing. Allele origin: germline.
Comment: This sequence change falls in intron 40 of the CACNA1C gene. It does not directly change the encoded amino acid sequence of the CACNA1C protein. It affects a nucleotide within the consensus splice site. This variant is present in population databases (rs758948589, gnomAD 0.02%). This variant has not been reported in the literature in individuals affected with CACNA1C-related conditions. ClinVar contains an entry for this variant (Variation ID: 870095). Variants that disrupt the consensus splice site are a relatively common cause of aberrant splicing (PMID: 17576681, 9536098). Algorithms developed to predict the effect of sequence changes on RNA splicing suggest that this variant is not likely to affect RNA splicing. In summary, the available evidence is currently insufficient to determine the role of this variant in disease. Therefore, it has been classified as a Variant of Uncertain Significance.

Ambry Genetics
Classification: Benign for Cardiovascular phenotype. Last evaluated: 2021-12-07. Review status: criteria provided, single submitter. Criteria: Ambry Variant Classification Scheme 2023. Collection method: clinical testing. Allele origin: germline.

Agnes Ginges Centre for Molecular Cardiology, Centenary Institute
Classification: Uncertain significance for Brugada syndrome. Last evaluated: 2018-04-04. Review status: criteria provided, single submitter. Criteria: ACMG Guidelines, 2015. Collection method: research. Allele origin: germline. Inheritance: Autosomal dominant inheritance. Affected: yes.
Comment: CACNA1C c.4956+5G>C has not been previously reported but is present in the Genome Aggregation Database (MAF=0.00002548) in 7 alleles. In silico splice prediction tool MaxEntScan, predicts that this variant does not result in aberrant splicing. Based on this evidence we classify CACNA1C c.4956+5G>C as a variant of 'uncertain significance'.

Literature cited by the submitters: PubMed 17576681 (cited by Labcorp Genetics (formerly Invitae), Labcorp); PubMed 9536098 (cited by Labcorp Genetics (formerly Invitae), Labcorp).

NM_000719.7(CACNA1C):c.4956+5G>C

Genes: CACNA1C (calcium voltage-gated channel subunit alpha1 C; plus strand), CACNA1C-AS1 (CACNA1C antisense RNA 1; minus strand). Cytogenetic location: 12p13.33.
Variant type: single nucleotide variant.
Coding change: c.4956+5G>C on transcript NM_000719.7 (MANE Select); 5 bases into the intron after coding-DNA position 4956, G replaced by C.
Molecular consequence: intron variant. On other transcripts: non-coding transcript variant (1).
Genome position (GRCh38, 1-based): chr12:2,677,226, G>C. VCF-style: chr12-2677226-G-C. GRCh37 (hg19) VCF-style: chr12-2786392-G-C.
Other names: c.4956+5G>C (NM_001167624.3, NM_001167623.2, NM_001129840.2 and 4 more transcripts); c.4923+5G>C (NM_001167625.2, NM_001129846.2); c.5100+5G>C (NM_199460.4, NM_001129827.2); c.5016+5G>C (NM_001129832.2); c.5040+5G>C (NM_001129831.2); c.5013+5G>C (NM_001129833.2, NM_001129834.2, NM_001129835.2); c.5079+5G>C (NM_001129829.2); c.4980+5G>C (NM_001129837.2, NM_001129838.2); and 3 more.
Identifiers: ClinVar variation 870095 (VCV000870095.8), dbSNP rs758948589, ClinGen allele CA6389651.